The following is an entry in ClinVar:

NM_145059.3(FCSK):c.547G>A (p.Ala183Thr)

Gene: FCSK (fucose kinase; plus strand). Cytogenetic location: 16q22.1.
Variant type: single nucleotide variant.
Coding change: c.547G>A on transcript NM_145059.3 (MANE Select); coding-DNA position 547, G replaced by A.
Protein change: p.Ala183Thr; replaces alanine 183 with threonine.
Molecular consequence: missense variant.
Genome position (GRCh38, 1-based): chr16:70,467,436, G>A. VCF-style: chr16-70467436-G-A. GRCh37 (hg19) VCF-style: chr16-70501339-G-A.
Other names: short protein forms A183T.
Identifiers: ClinVar variation 2720773 (VCV002720773.3), dbSNP rs1230497232, ClinGen allele CA396563276.

ClinVar aggregate classification (germline): Uncertain significance (1 of 4 stars; one submission).

Allele frequency attached by ClinVar (database versions not stated): TOPMed 0.00002; gnomAD 0.00003; gnomAD exomes below 0.00001.
gnomAD v4.1: 9 of 1,609,514 alleles (0.00056%); highest among the groups gnomAD compares: Admixed American, 0.0067%; no homozygotes.

Submission:

Labcorp Genetics (formerly Invitae), Labcorp
Classification: Uncertain significance. Last evaluated: 2023-04-09. Review status: criteria provided, single submitter. Criteria: Invitae Variant Classification Sherloc (09022015). Collection method: clinical testing. Allele origin: germline.
Comment: In summary, the available evidence is currently insufficient to determine the role of this variant in disease. Therefore, it has been classified as a Variant of Uncertain Significance. An algorithm developed to predict the effect of missense changes on protein structure and function (PolyPhen-2) suggests that this variant is likely to be disruptive. This variant has not been reported in the literature in individuals affected with FUK-related conditions. This variant is not present in population databases (gnomAD no frequency). This sequence change replaces alanine, which is neutral and non-polar, with threonine, which is neutral and polar, at codon 183 of the FUK protein (p.Ala183Thr).